The following is an entry in ClinVar:

ClinVar aggregate classification (germline): Conflicting classifications of pathogenicity. Review status: criteria provided, conflicting classifications (1 of 4 stars). 10 submissions from 8 submitters: Uncertain significance (6); Benign (1); Likely benign (3). Last evaluated 2026-06-16.

Conditions:
Otospondylomegaepiphyseal dysplasia, autosomal dominant (OSMEDA). Also called: Stickler syndrome, type 3; COL11A2-Related Stickler Syndrome; Pierre Robin syndrome with fetal chondrodysplasia. Identifiers: Orphanet 166100, Orphanet 3450, MedGen C1848488, MONDO:0008490, OMIM 184840.
Otospondylomegaepiphyseal dysplasia, autosomal recessive (OSMEDB). Also called: CHONDRODYSTROPHY WITH SENSORINEURAL DEAFNESS; Insley-Astley syndrome. Identifiers: Orphanet 1427, MedGen CN034493, MONDO:0044206, OMIM 215150.
COL11A2-related disorder. Also called: COL11A2-related condition; COL11A2-related disorders.
Connective tissue disorder. Also called: Connective tissue disease. Identifiers: MedGen C0009782, MONDO:0003900.
Fibrochondrogenesis 2 (FBCG2). Identifiers: Orphanet 2021, MedGen C3281128, MONDO:0013795, OMIM 614524.

Allele frequency attached by ClinVar (database versions not stated): ExAC 0.00011; gnomAD exomes 0.00014 and 0.00033; gnomAD 0.00016; TOPMed 0.00017; ESP Exome Variant Server 0.00036.
gnomAD v4.1: 522 of 1,612,886 alleles (0.032%); highest among the groups gnomAD compares: Non-Finnish European, 0.041%; 1 homozygote.

Submissions (10):

PreventionGenetics, part of Exact Sciences
Classification: Uncertain significance for COL11A2-related condition. Last evaluated: 2026-06-16. Review status: criteria provided, single submitter. Criteria: ACMG Guidelines, 2015. Collection method: clinical testing. Allele origin: germline.
Comment: The COL11A2 c.2254G>A variant is predicted to result in the amino acid substitution p.Val752Met. This variant has been observed in a cohort of patients with non-syndromic hearing loss (reported as c.1996G>A, p.Val666Met in Table S1, Sommen et al. 2016. PubMed ID: 27068579). This variant was also reported in the homozygous state, along with a de novo pathogenic variant in the QRICH1 gene, in a patient with idiopathic developmental delay (reported as NM_080681.2: c.1996G>A in Ververi et al. 2018. PubMed ID: 28692176). This variant is reported in 0.026% of alleles in individuals of European (Non-Finnish) descent in gnomAD. At this time, the clinical significance of this variant is uncertain due to the absence of conclusive functional and genetic evidence.

Labcorp Genetics (formerly Invitae), Labcorp
Classification: Likely benign. Last evaluated: 2026-02-01. Review status: criteria provided, single submitter. Criteria: Invitae Variant Classification Sherloc (09022015). Collection method: clinical testing. Allele origin: germline.

CeGaT Center for Human Genetics Tuebingen
Classification: Uncertain significance. Last evaluated: 2025-09-01. Review status: criteria provided, single submitter. Criteria: CeGaT Center For Human Genetics Tuebingen Variant Classification Criteria Version 2. Collection method: clinical testing. Allele origin: germline. Affected: yes. Observed: 2 variant alleles.

Women's Health and Genetics/Laboratory Corporation of America, LabCorp
Classification: Uncertain significance. Last evaluated: 2025-08-12. Review status: criteria provided, single submitter. Criteria: LabCorp Variant Classification Summary - May 2015. Collection method: clinical testing. Allele origin: germline.
Comment: Variant summary: COL11A2 c.2254G>A (p.Val752Met) results in a conservative amino acid change in the encoded protein sequence. Algorithms developed to predict the effect of missense changes on protein structure and function are either unavailable or do not agree on the potential impact of this missense change. The variant allele was found at a frequency of 0.00014 in 247050 control chromosomes, predominantly at a frequency of 0.00028 within the Non-Finnish European subpopulation in the gnomAD database. This frequency is not significantly higher than estimated for a pathogenic variant in COL11A2 causing COL11A2-Related Disorders, allowing no conclusion about variant significance. c.2254G>A has been observed in individual(s) affected with hearing loss (Sommen_2016). These report(s) do not provide unequivocal conclusions about association of the variant with COL11A2-Related Disorders. The following publications have been ascertained in the context of this evaluation (PMID: 27068579, 28692176). ClinVar contains an entry for this variant (Variation ID: 561277). Based on the evidence outlined above, the variant was classified as VUS-possibly benign.

GeneDx
Classification: Uncertain significance. Last evaluated: 2025-03-18. Review status: criteria provided, single submitter. Criteria: GeneDx Variant Classification Process June 2021. Collection method: clinical testing. Allele origin: germline. Affected: yes.
Comment: Observed in the homozygous state in an individual with clinical features of a mitochondrial disorder who also harbored a pathogenic variant in QRICH1 and was homoplasmic for two mitochondrial variants (PMID: 28692176); Observed in an individual with nonsyndromic hearing loss (NSHL) in published literature (PMID: 27068579); In silico analysis indicates that this missense variant does not alter protein structure/function; Also known as c.1996G>A, p.(V666M); This variant is associated with the following publications: (PMID: 28692176, 27068579)

Blueprint Genetics
Classification: Likely benign. Last evaluated: 2024-08-21. Review status: criteria provided, single submitter. Criteria: ACMG Guidelines, 2015. Collection method: clinical testing. Allele origin: germline.

Center for Human Genetics, Inc
Classification: Likely benign for Connective tissue disorder. Last evaluated: 2018-06-01. Review status: criteria provided, single submitter. Criteria: ACMG Guidelines, 2015. Collection method: clinical testing. Allele origin: germline. Affected: yes.

Illumina Laboratory Services, Illumina
Classification: Benign for Otospondylomegaepiphyseal dysplasia, autosomal recessive. Last evaluated: 2017-04-27. Review status: criteria provided, single submitter. Criteria: ICSL Variant Classification Criteria 13 December 2019. Collection method: clinical testing. Allele origin: germline.
Comment: This variant was observed as part of a predisposition screen in an ostensibly healthy population. A literature search was performed for the gene, cDNA change, and amino acid change (where applicable). No publications were found based on this search. Allele frequency data from public databases was too high to be consistent with this variant causing disease. Therefore, this variant is classified as benign.

Illumina Laboratory Services, Illumina
Classification: Uncertain significance for Otospondylomegaepiphyseal dysplasia, autosomal dominant. Last evaluated: 2017-04-27. Review status: criteria provided, single submitter. Criteria: ICSL Variant Classification Criteria 13 December 2019. Collection method: clinical testing. Allele origin: germline.

Illumina Laboratory Services, Illumina
Classification: Uncertain significance for Fibrochondrogenesis 2. Last evaluated: 2017-04-27. Review status: criteria provided, single submitter. Criteria: ICSL Variant Classification Criteria 13 December 2019. Collection method: clinical testing. Allele origin: germline.

Literature cited by the submitters: PubMed 27068579 (cited by Women's Health and Genetics/Laboratory Corporation of America, LabCorp); PubMed 28692176 (cited by Women's Health and Genetics/Laboratory Corporation of America, LabCorp).

NM_080680.3(COL11A2):c.2254G>A (p.Val752Met)

Gene: COL11A2 (collagen type XI alpha 2 chain; minus strand). Cytogenetic location: 6p21.32.
Variant type: single nucleotide variant.
Coding change: c.2254G>A on transcript NM_080680.3 (MANE Select); coding-DNA position 2254, G replaced by A.
Protein change: p.Val752Met; replaces valine 752 with methionine.
Molecular consequence: missense variant.
Genome position (GRCh38, 1-based): chr6:33,176,030, C>T on the plus strand (G>A on the coding strand, the complement: COL11A2 is on the minus strand). VCF-style: chr6-33176030-C-T. GRCh37 (hg19) VCF-style: chr6-33143807-C-T.
Other names: c.1933G>A, p.Val645Met (NM_080679.3); c.1996G>A, p.Val666Met (NM_080681.3); short protein forms V752M, V645M, V666M.
Identifiers: ClinVar variation 561277 (VCV000561277.49), dbSNP rs201076557, ClinGen allele CA3750984.